The following is an entry in ClinVar:

ClinVar aggregate classification (germline): Uncertain significance. Review status: criteria provided, multiple submitters, no conflicts (2 of 4 stars). 5 submissions from 5 submitters: Uncertain significance (4). 1 of the submissions does not count toward it. Last evaluated 2025-09-05.

Conditions:
MYH6-related disorder. Also called: MYH6-related condition; MYH6-Related Disorders.
Cardiovascular phenotype. Identifiers: MedGen CN230736.
Hypertrophic cardiomyopathy 1 (CMH1). Also called: Familial hypertrophic cardiomyopathy 1; MYH7-Related Familial Hypertrophic Cardiomyopathy. Identifiers: MedGen C3495498, MONDO:0008647, OMIM 192600.
Sick sinus syndrome 3, susceptibility to (SSS3). Identifiers: Orphanet 166282, MedGen C3279791, MONDO:0013568, OMIM 614090.
Atrial septal defect 3 (ASD3). Identifiers: Orphanet 1478, MedGen C3279790, MONDO:0013567, OMIM 614089.
Dilated cardiomyopathy 1EE (CMD1EE). Identifiers: Orphanet 154, MedGen C2750466, MONDO:0013198, OMIM 613252.
Hypertrophic cardiomyopathy 14. Identifiers: MedGen C2750467, MONDO:0013197, OMIM 613251.

Allele frequency attached by ClinVar (database versions not stated): TOPMed 0.00001; gnomAD 0.00003.
gnomAD v4.1: 10 of 1,614,024 alleles (0.00062%); highest among the groups gnomAD compares: African/African-American, 0.0067%; no homozygotes.

Submissions (5):

Labcorp Genetics (formerly Invitae), Labcorp
Classification: Uncertain significance for Hypertrophic cardiomyopathy 14. Last evaluated: 2025-09-05. Review status: criteria provided, single submitter. Criteria: Invitae Variant Classification Sherloc (09022015). Collection method: clinical testing. Allele origin: germline.
Comment: This sequence change replaces arginine, which is basic and polar, with leucine, which is neutral and non-polar, at codon 1927 of the MYH6 protein (p.Arg1927Leu). This variant is present in population databases (rs730880152, gnomAD 0.008%). This missense change has been observed in individual(s) with dilated cardiomyopathy (PMID: 31983221). ClinVar contains an entry for this variant (Variation ID: 180428). Invitae Evidence Modeling of protein sequence and biophysical properties (such as structural, functional, and spatial information, amino acid conservation, physicochemical variation, residue mobility, and thermodynamic stability) indicates that this missense variant is expected to disrupt MYH6 protein function with a positive predictive value of 80%. In summary, the available evidence is currently insufficient to determine the role of this variant in disease. Therefore, it has been classified as a Variant of Uncertain Significance.

Blueprint Genetics
Classification: Uncertain significance. Last evaluated: 2024-09-24. Review status: criteria provided, single submitter. Criteria: ACMG Guidelines, 2015. Collection method: clinical testing. Allele origin: germline.

Ambry Genetics
Classification: Uncertain significance for Cardiovascular phenotype. Last evaluated: 2023-06-05. Review status: criteria provided, single submitter. Criteria: Ambry Variant Classification Scheme 2023. Collection method: clinical testing. Allele origin: germline.
Comment: The p.R1927L variant (also known as c.5780G>T), located in coding exon 36 of the MYH6 gene, results from a G to T substitution at nucleotide position 5780. The arginine at codon 1927 is replaced by leucine, an amino acid with dissimilar properties. This amino acid position is highly conserved in available vertebrate species. In addition, this alteration is predicted to be deleterious by in silico analysis. Since supporting evidence is limited at this time, the clinical significance of this alteration remains unclear.

Fulgent Genetics
Classification: Uncertain significance for Hypertrophic cardiomyopathy 1; Hypertrophic cardiomyopathy 14; Dilated cardiomyopathy 1EE; Atrial septal defect 3; Sick sinus syndrome 3, susceptibility to. Last evaluated: 2021-10-22. Review status: criteria provided, single submitter. Criteria: ACMG Guidelines, 2015. Collection method: clinical testing. Allele origin: unknown.

PreventionGenetics, part of Exact Sciences
Classification: Uncertain significance for MYH6-related condition. Last evaluated: 2024-01-10. Review status: no assertion criteria provided. Collection method: clinical testing. Allele origin: germline. Not counted in ClinVar's aggregate classification.
Comment: The MYH6 c.5780G>T variant is predicted to result in the amino acid substitution p.Arg1927Leu. This variant was reported in an individual with dilated cardiomyopathy (Table S3, Mazzarotto et al. 2020. PubMed ID: 31983221). This variant is reported in 0.012% of alleles in individuals of African descent in gnomAD. At this time, the clinical significance of this variant is uncertain due to the absence of conclusive functional and genetic evidence.

Literature cited by the submitters: PubMed 31983221 (cited by Labcorp Genetics (formerly Invitae), Labcorp).

NM_002471.4(MYH6):c.5780G>T (p.Arg1927Leu)

Gene: MYH6 (myosin heavy chain 6; minus strand). Cytogenetic location: 14q11.2.
Variant type: single nucleotide variant.
Coding change: c.5780G>T on transcript NM_002471.4 (MANE Select); coding-DNA position 5780, G replaced by T.
Protein change: p.Arg1927Leu; replaces arginine 1927 with leucine.
Molecular consequence: missense variant.
Genome position (GRCh38, 1-based): chr14:23,382,444, C>A on the plus strand (G>T on the coding strand, the complement: MYH6 is on the minus strand). VCF-style: chr14-23382444-C-A. GRCh37 (hg19) VCF-style: chr14-23851653-C-A.
Other names: short protein forms R1927L.
Identifiers: ClinVar variation 180428 (VCV000180428.12), dbSNP rs730880152, ClinGen allele CA346495.